The following is an entry in ClinVar:

ClinVar aggregate classification (germline): Uncertain significance. Review status: criteria provided, multiple submitters, no conflicts (2 of 4 stars). 2 submissions from 2 submitters: Uncertain significance (2). Last evaluated 2021-08-13.

Conditions:
Dilated cardiomyopathy 1DD (CMD1DD). Identifiers: Orphanet 154, MedGen C2750995, MONDO:0013168, OMIM 613172.

Allele frequency attached by ClinVar (database versions not stated): gnomAD 0.00001.
gnomAD v4.1: 1 of 1,551,434 alleles (0.000064%); highest among the groups gnomAD compares: East Asian, 0.0024%; no homozygotes.

Submissions (2):

Labcorp Genetics (formerly Invitae), Labcorp
Classification: Uncertain significance for Dilated cardiomyopathy 1DD. Last evaluated: 2021-08-13. Review status: criteria provided, single submitter. Criteria: Invitae Variant Classification Sherloc (09022015). Collection method: clinical testing. Allele origin: germline.
Comment: In summary, the available evidence is currently insufficient to determine the role of this variant in disease. Therefore, it has been classified as a Variant of Uncertain Significance. Advanced modeling of protein sequence and biophysical properties (such as structural, functional, and spatial information, amino acid conservation, physicochemical variation, residue mobility, and thermodynamic stability) performed at Invitae indicates that this missense variant is expected to disrupt RBM20 protein function. ClinVar contains an entry for this variant (Variation ID: 229195). This variant has not been reported in the literature in individuals affected with RBM20-related conditions. This variant is not present in population databases (ExAC no frequency). This sequence change replaces glycine with valine at codon 1167 of the RBM20 protein (p.Gly1167Val). The glycine residue is weakly conserved and there is a moderate physicochemical difference between glycine and valine.

Laboratory for Molecular Medicine, Mass General Brigham Personalized Medicine
Classification: Uncertain significance. Last evaluated: 2014-12-31. Review status: criteria provided, single submitter. Criteria: LMM Criteria. Collection method: clinical testing. Allele origin: germline. Observed: 1 variant allele.
Comment: The p.Gly1167Val variant in RBM20 has not been previously reported in individual s with cardiomyopathy or in large population studies. Computational prediction t ools and conservation analysis do not provide strong support for or against an i mpact to the protein. In summary, the clinical significance of the p.Gly1167Val variant is uncertain.

NM_001134363.3(RBM20):c.3500G>T (p.Gly1167Val)

Gene: RBM20 (RNA binding motif protein 20; plus strand). Cytogenetic location: 10q25.2.
Variant type: single nucleotide variant.
Coding change: c.3500G>T on transcript NM_001134363.3 (MANE Select); coding-DNA position 3500, G replaced by T.
Protein change: p.Gly1167Val; replaces glycine 1167 with valine.
Molecular consequence: missense variant.
Genome position (GRCh38, 1-based): chr10:110,831,109, G>T. VCF-style: chr10-110831109-G-T. GRCh37 (hg19) VCF-style: chr10-112590867-G-T.
Other names: short protein forms G1167V.
Identifiers: ClinVar variation 229195 (VCV000229195.10), dbSNP rs371754487, ClinGen allele CA10576773.